The following is an entry in ClinVar:

ClinVar aggregate classification (germline): Uncertain significance. Review status: criteria provided, multiple submitters, no conflicts (2 of 4 stars). 2 submissions from 2 submitters: Uncertain significance (2). Last evaluated 2026-06-29.

Conditions:
DICER1-related tumor predisposition. Also called: DICER1-related pleuropulmonary blastoma cancer predisposition syndrome; DICER1 syndrome. Identifiers: Orphanet 284343, MedGen C3839822, MONDO:0100216.
Hereditary cancer-predisposing syndrome. Also called: Neoplastic Syndromes, Hereditary; Hereditary Cancer Syndrome; Tumor predisposition; Hereditary neoplastic syndrome. Identifiers: Orphanet 140162, MedGen C0027672, MeSH D009386, MONDO:0015356.

Submissions (2):

Ambry Genetics
Classification: Uncertain significance for Hereditary cancer-predisposing syndrome. Last evaluated: 2026-06-29. Review status: criteria provided, single submitter. Criteria: Ambry Variant Classification Scheme 2023. Collection method: clinical testing. Allele origin: germline.
Comment: The p.P540L variant (also known as c.1619C>T), located in coding exon 9 of the DICER1 gene, results from a C to T substitution at nucleotide position 1619. The proline at codon 540 is replaced by leucine, an amino acid with similar properties. This amino acid position is conserved. In addition, this alteration is predicted to be deleterious by in silico analysis. Based on the available evidence, the clinical significance of this variant remains unclear.

Labcorp Genetics (formerly Invitae), Labcorp
Classification: Uncertain significance for DICER1-related tumor predisposition. Last evaluated: 2019-07-10. Review status: criteria provided, single submitter. Criteria: Invitae Variant Classification Sherloc (09022015). Collection method: clinical testing. Allele origin: germline.
Comment: This sequence change replaces proline with leucine at codon 540 of the DICER1 protein (p.Pro540Leu). The proline residue is highly conserved and there is a moderate physicochemical difference between proline and leucine. This variant is not present in population databases (ExAC no frequency). This variant has not been reported in the literature in individuals with DICER1-related conditions. Algorithms developed to predict the effect of missense changes on protein structure and function (SIFT, PolyPhen-2, Align-GVGD) all suggest that this variant is likely to be disruptive, but these predictions have not been confirmed by published functional studies and their clinical significance is uncertain. In summary, the available evidence is currently insufficient to determine the role of this variant in disease. Therefore, it has been classified as a Variant of Uncertain Significance.

NM_177438.3(DICER1):c.1619C>T (p.Pro540Leu)

Gene: DICER1 (dicer 1, ribonuclease III; minus strand). Cytogenetic location: 14q32.13.
Variant type: single nucleotide variant.
Coding change: c.1619C>T on transcript NM_177438.3 (MANE Select); coding-DNA position 1619, C replaced by T.
Protein change: p.Pro540Leu; replaces proline 540 with leucine.
Molecular consequence: missense variant.
Genome position (GRCh38, 1-based): chr14:95,116,586, G>A on the plus strand (C>T on the coding strand, the complement: DICER1 is on the minus strand). VCF-style: chr14-95116586-G-A. GRCh37 (hg19) VCF-style: chr14-95582923-G-A.
Other names: c.1619C>T, p.Pro540Leu (NM_001195573.1, NM_001271282.3, NM_001291628.2 and 1 more transcripts); short protein forms P540L.
Identifiers: ClinVar variation 953807 (VCV000953807.12), dbSNP rs1892495607, ClinGen allele CA390884940.